The following is an entry in ClinVar:

NM_018942.3(HMX1):c.821C>T (p.Pro274Leu)

Gene: HMX1 (H6 family homeobox 1; minus strand). Cytogenetic location: 4p16.1.
Variant type: single nucleotide variant.
Coding change: c.821C>T on transcript NM_018942.3 (MANE Select); coding-DNA position 821, C replaced by T.
Protein change: p.Pro274Leu; replaces proline 274 with leucine.
Molecular consequence: missense variant. On other transcripts: intron variant (1).
Genome position (GRCh38, 1-based): chr4:8,867,919, G>A on the plus strand (C>T on the coding strand, the complement: HMX1 is on the minus strand). VCF-style: chr4-8867919-G-A. GRCh37 (hg19) VCF-style: chr4-8869645-G-A.
Other names: c.394+3302C>T (NM_001306142.2); short protein forms P274L.
Identifiers: ClinVar variation 1960593 (VCV001960593.2), dbSNP rs774992381, ClinGen allele CA2854259.

ClinVar aggregate classification (germline): Uncertain significance (1 of 4 stars; one submission).

Allele frequency attached by ClinVar (database versions not stated): gnomAD exomes 0.00005.

Submission:

Labcorp Genetics (formerly Invitae), Labcorp
Classification: Uncertain significance. Last evaluated: 2022-08-13. Review status: criteria provided, single submitter. Criteria: Invitae Variant Classification Sherloc (09022015). Collection method: clinical testing. Allele origin: germline.
Comment: This sequence change replaces proline, which is neutral and non-polar, with leucine, which is neutral and non-polar, at codon 274 of the HMX1 protein (p.Pro274Leu). This variant is present in population databases (rs774992381, gnomAD 0.007%). This variant has not been reported in the literature in individuals affected with HMX1-related conditions. Algorithms developed to predict the effect of missense changes on protein structure and function (SIFT, PolyPhen-2, Align-GVGD) all suggest that this variant is likely to be tolerated. In summary, the available evidence is currently insufficient to determine the role of this variant in disease. Therefore, it has been classified as a Variant of Uncertain Significance.